The following is an entry in ClinVar:

NM_001367624.2(ZNF469):c.2115C>A (p.Phe705Leu)

Gene: ZNF469 (zinc finger protein 469; plus strand). Cytogenetic location: 16q24.2.
Variant type: single nucleotide variant.
Coding change: c.2115C>A on transcript NM_001367624.2 (MANE Select); coding-DNA position 2115, C replaced by A.
Protein change: p.Phe705Leu; replaces phenylalanine 705 with leucine.
Molecular consequence: missense variant.
Genome position (GRCh38, 1-based): chr16:88,429,585, C>A. VCF-style: chr16-88429585-C-A. GRCh37 (hg19) VCF-style: chr16-88495993-C-A.
Other names: NM_001127464.1:c.2115C>A; short protein forms F705L.
Identifiers: ClinVar variation 3476241 (VCV003476241.1).

ClinVar aggregate classification (germline): Uncertain significance (1 of 4 stars; one submission).

Conditions:
Cardiovascular phenotype. Identifiers: MedGen CN230736.

gnomAD v4.1: 11 of 1,549,686 alleles (0.00071%); highest among the groups gnomAD compares: Non-Finnish European, 0.00087%; no homozygotes.

Submission:

Ambry Genetics
Classification: Uncertain significance for Cardiovascular phenotype. Last evaluated: 2024-10-19. Review status: criteria provided, single submitter. Criteria: Ambry Variant Classification Scheme 2023. Collection method: clinical testing. Allele origin: germline.
Comment: The p.F705L variant (also known as c.2115C>A), located in coding exon 1 of the ZNF469 gene, results from a C to A substitution at nucleotide position 2115. The phenylalanine at codon 705 is replaced by leucine, an amino acid with highly similar properties. This amino acid position is conserved. In addition, this alteration is predicted to be tolerated by in silico analysis. Based on the available evidence, the clinical significance of this variant remains unclear.